The following is an entry in ClinVar:

NM_000215.4(JAK3):c.108G>C (p.Gly36=)

Gene: JAK3 (Janus kinase 3; minus strand). Cytogenetic location: 19p13.11.
Variant type: single nucleotide variant.
Coding change: c.108G>C on transcript NM_000215.4 (MANE Select); coding-DNA position 108, G replaced by C.
Protein change: p.Gly36=; no amino-acid change (glycine 36 retained).
Molecular consequence: synonymous variant.
Genome position (GRCh38, 1-based): chr19:17,844,310, C>G on the plus strand (G>C on the coding strand, the complement: JAK3 is on the minus strand). VCF-style: chr19-17844310-C-G. GRCh37 (hg19) VCF-style: chr19-17955119-C-G.
Other names: p.G36G:GGG>GGC.
Identifiers: ClinVar variation 137599 (VCV000137599.41), dbSNP rs149701114, ClinGen allele CA291258.
Genomic context (GRCh38, chr19:17,844,310, plus strand): 5'-CTGCACGCACAGGTCCTCAGCCAAGTGGTCCCCAAAGGAGAAAGATAGGCGCTGGGGGGG[C>G]CCGGGGCCCCGAGCGGGCAGCAGCACATGCAGGGCACCAGCCTCCGTGGACAAGAGGCTG-3'
Protein context (NP_000206.2, residues 26-46): LHVLLPARGP[Gly36=]PPQRLSFSFG

ClinVar aggregate classification (germline): Conflicting classifications of pathogenicity. Review status: criteria provided, conflicting classifications (1 of 4 stars). 5 submissions from 5 submitters: Uncertain significance (1); Benign (2); Likely benign (2). Last evaluated 2026-01-18.

Conditions:
T-B+ severe combined immunodeficiency due to JAK3 deficiency. Also called: SCID, T CELL-NEGATIVE, B CELL-POSITIVE, NK CELL-NEGATIVE; SCID, autosomal recessive, T-negative/B-positive type. Identifiers: Orphanet 35078, MedGen C1833275, MONDO:0010938, OMIM 600802.

Allele frequency attached by ClinVar (database versions not stated): ExAC 0.00105; ESP Exome Variant Server 0.00108; 1000 Genomes Project 0.00120; 1000 Genomes Project 30x 0.00156; gnomAD 0.00201; TOPMed 0.00228.
gnomAD v4.1: 782 of 1,608,242 alleles (0.049%); highest among the groups gnomAD compares: Middle Eastern, 1.1%; 5 homozygotes.

Submissions (5):

Labcorp Genetics (formerly Invitae), Labcorp
Classification: Benign for T-B+ severe combined immunodeficiency due to JAK3 deficiency. Last evaluated: 2026-01-18. Review status: criteria provided, single submitter. Criteria: Invitae Variant Classification Sherloc (09022015). Collection method: clinical testing. Allele origin: germline.

CeGaT Center for Human Genetics Tuebingen
Classification: Likely benign. Last evaluated: 2025-06-01. Review status: criteria provided, single submitter. Criteria: CeGaT Center For Human Genetics Tuebingen Variant Classification Criteria Version 2. Collection method: clinical testing. Allele origin: germline. Affected: yes. Observed: 2 variant alleles.
Comment: JAK3: BP4, BP7

Blueprint Genetics
Classification: Likely benign. Last evaluated: 2024-11-25. Review status: criteria provided, single submitter. Criteria: ACMG Guidelines, 2015. Collection method: clinical testing. Allele origin: germline.

Illumina Laboratory Services, Illumina
Classification: Uncertain significance for T-B+ severe combined immunodeficiency due to JAK3 deficiency. Last evaluated: 2017-04-27. Review status: criteria provided, single submitter. Criteria: ICSL Variant Classification Criteria 13 December 2019. Collection method: clinical testing. Allele origin: germline.

GeneDx
Classification: Benign. Last evaluated: 2014-02-21. Review status: criteria provided, single submitter. Criteria: GeneDx Variant Classification (06012015). Collection method: clinical testing. Allele origin: germline. Affected: yes.
Comment: This variant is considered likely benign or benign based on one or more of the following criteria: it is a conservative change, it occurs at a poorly conserved position in the protein, it is predicted to be benign by multiple in silico algorithms, and/or has population frequency not consistent with disease.